The following is an entry in ClinVar:

ClinVar aggregate classification (germline): Uncertain significance (1 of 4 stars; one submission).

Conditions:
Inborn genetic diseases. Identifiers: MedGen C0950123, MeSH D030342.

Submission:

Ambry Genetics
Classification: Uncertain significance for Inborn genetic diseases. Last evaluated: 2025-02-16. Review status: criteria provided, single submitter. Criteria: Ambry Variant Classification Scheme 2023. Collection method: clinical testing. Allele origin: germline.
Comment: The p.R310G variant (also known as c.928A>G), located in coding exon 9 of the ANKRD26 gene, results from an A to G substitution at nucleotide position 928. The arginine at codon 310 is replaced by glycine, an amino acid with dissimilar properties. This amino acid position is conserved. In addition, this alteration is predicted to be tolerated by in silico analysis. Based on the available evidence, the clinical significance of this variant remains unclear.

NM_014915.3(ANKRD26):c.928A>G (p.Arg310Gly)

Gene: ANKRD26 (ankyrin repeat domain containing 26; minus strand). Cytogenetic location: 10p12.1.
Variant type: single nucleotide variant.
Coding change: c.928A>G on transcript NM_014915.3 (MANE Select); coding-DNA position 928, A replaced by G.
Protein change: p.Arg310Gly; replaces arginine 310 with glycine.
Molecular consequence: missense variant.
Genome position (GRCh38, 1-based): chr10:27,077,487, T>C on the plus strand (A>G on the coding strand, the complement: ANKRD26 is on the minus strand). VCF-style: chr10-27077487-T-C. GRCh37 (hg19) VCF-style: chr10-27366416-T-C.
Other names: c.928A>G, p.Arg310Gly (NM_001256053.2); short protein forms R310G.
Identifiers: ClinVar variation 3871375 (VCV003871375.1).
Genomic context (GRCh38, chr10:27,077,487, plus strand): 5'-CTTTGATTGATGTTGTAGGAAGGCTTTCAACCACAACTTCATCTTGACTATCGGAATCTC[T>C]ATCCTCAAACAAAGTTCTATTTCCTGTTCTCACAGTGCCATATGTTGCTTCTACTACAGT-3'
Protein context (NP_055730.2, residues 300-320): RTGNRTLFED[Arg310Gly]DSDSQDEVVV